The following is an entry in ClinVar:

ClinVar aggregate classification (germline): Uncertain significance (1 of 4 stars; one submission).

Conditions:
Familial juvenile hyperuricemic nephropathy type 1 (ADTKD1). Also called: Autosomal Dominant Tubulointerstitial Kidney Disease – UMOD; Glomerulocystic kidney disease with hyperuricemia and isosthenuria; Medullary cystic kidney disease 2; UMOD-Associated Kidney Disease; Uromodulin-associated kidney disease. Identifiers: Orphanet 209886, Orphanet 34149, Orphanet 88950, MedGen C4551496, MONDO:0008073, OMIM 162000.

gnomAD v4.1: 3 of 1,612,210 alleles (0.00019%); highest among the groups gnomAD compares: African/African-American, 0.004%; no homozygotes.

Submission:

Victorian Clinical Genetics Services, Murdoch Childrens Research Institute
Classification: Uncertain significance for Familial juvenile hyperuricemic nephropathy type 1. Last evaluated: 2025-11-21. Review status: criteria provided, single submitter. Criteria: ACMG Guidelines, 2015. Collection method: clinical testing. Allele origin: germline. Affected: yes.
Comment: This variant is classified as VUS-3A. Evidence in support of pathogenic classification: Variant is present in gnomAD <0.001 for a dominant condition (v4: 3 heterozygote(s), 0 homozygote(s)); This variant has limited previous evidence of pathogenicity in unrelated individual(s). This variant has been reported in two families with autosomal dominant renal features (PMID: 31509055, 20172860); Another missense variant comparable to the one identified in this case has limited previous evidence for pathogenicity. p.(Tyr274His) has been reported in the literature in an individual with tubulointerstitial kidney disease (PMID: 32450155); Missense variant predicted to be damaging by in silico tool(s) or highly conserved with a major amino acid change. Additional information: Variant is predicted to result in a missense amino acid change from Tyr to Cys; This variant is heterozygous; This gene is associated with autosomal dominant disease; Alternative amino acid change(s) at the same position are present in gnomAD (v4: 1 heterozygote(s), 0 homozygote(s)); No published evidence of segregation with disease has been identified for this variant; No published functional evidence has been identified for this variant; Variant is located in the annotated uromodulin-like, D8C domain (DECIPHER); Dominant negative is a known mechanism of disease in this gene and is associated with autosomal dominant tubulointerstitial kidney disease 1 (MIM#162000) (PMID: 22117067); Variants in this gene are known to have variable expressivity. Intrafamilial variability has been described (PMID: 21868615); Inheritance information for this variant is not currently available in this individual.

Literature cited by the submitters: PubMed 20172860; PubMed 21868615; PubMed 31509055; PubMed 32450155; PubMed 22117067.

NM_003361.4(UMOD):c.821A>G (p.Tyr274Cys)

Gene: UMOD (uromodulin; minus strand). Cytogenetic location: 16p12.3.
Variant type: single nucleotide variant.
Coding change: c.821A>G on transcript NM_003361.4 (MANE Select); coding-DNA position 821, A replaced by G.
Protein change: p.Tyr274Cys; replaces tyrosine 274 with cysteine.
Molecular consequence: missense variant. On other transcripts: non-coding transcript variant (1).
Genome position (GRCh38, 1-based): chr16:20,348,480, T>C on the plus strand (A>G on the coding strand, the complement: UMOD is on the minus strand). VCF-style: chr16-20348480-T-C. GRCh37 (hg19) VCF-style: chr16-20359802-T-C.
Other names: c.821A>G, p.Tyr274Cys (NM_001008389.3, NM_001378232.1, NM_001378233.1 and 3 more transcripts); c.920A>G, p.Tyr307Cys (NM_001278614.2); short protein forms Y274C, Y307C.
Identifiers: ClinVar variation 4819082 (VCV004819082.1).